The following is an entry in ClinVar:

NM_000384.3(APOB):c.1954T>A (p.Ser652Thr)

Gene: APOB (apolipoprotein B; minus strand). Cytogenetic location: 2p24.1.
Variant type: single nucleotide variant.
Coding change: c.1954T>A on transcript NM_000384.3 (MANE Select); coding-DNA position 1954, T replaced by A.
Protein change: p.Ser652Thr; replaces serine 652 with threonine.
Molecular consequence: missense variant.
Genome position (GRCh38, 1-based): chr2:21,027,941, A>T on the plus strand (T>A on the coding strand, the complement: APOB is on the minus strand). VCF-style: chr2-21027941-A-T. GRCh37 (hg19) VCF-style: chr2-21250813-A-T.
Other names: short protein forms S652T.
Identifiers: ClinVar variation 1055955 (VCV001055955.11), dbSNP rs2103374989, ClinGen allele CA346013677.

ClinVar aggregate classification (germline): Uncertain significance (1 of 4 stars; one submission).

Conditions:
Familial hypobetalipoproteinemia 1. Also called: Hypobetalipoproteinemia, normotriglyceridemic; Acanthocytosis with hypobetalipoproteinemia; APOB-Related Familial Hypobetalipoproteinemia. Identifiers: MedGen C4551990, MONDO:0014252, OMIM 615558.
Hypercholesterolemia, autosomal dominant, type B (FHCL2). Also called: Familial hypercholesterolemia 2; APOB-Related Familial Hypercholesterolemia, Autosomal Dominant; Familial Hypercholesterolemia Type B; APOLIPOPROTEIN B-100, FAMILIAL DEFECTIVE; APOLIPOPROTEIN B-100, FAMILIAL LIGAND-DEFECTIVE; HYPERCHOLESTEROLEMIA, FAMILIAL, DUE TO LIGAND-DEFECTIVE APOLIPOPROTEIN B. Identifiers: MedGen C1704417, MONDO:0007751, OMIM 144010.

Submission:

Labcorp Genetics (formerly Invitae), Labcorp
Classification: Uncertain significance for Familial hypobetalipoproteinemia 1; Hypercholesterolemia, autosomal dominant, type B. Last evaluated: 2020-10-30. Review status: criteria provided, single submitter. Criteria: Invitae Variant Classification Sherloc (09022015). Collection method: clinical testing. Allele origin: germline.
Comment: This sequence change replaces serine with threonine at codon 652 of the APOB protein (p.Ser652Thr). The serine residue is moderately conserved and there is a small physicochemical difference between serine and threonine. In summary, the available evidence is currently insufficient to determine the role of this variant in disease. Therefore, it has been classified as a Variant of Uncertain Significance. Algorithms developed to predict the effect of missense changes on protein structure and function are either unavailable or do not agree on the potential impact of this missense change (SIFT: "Deleterious"; PolyPhen-2: "Possibly Damaging"; Align-GVGD: "Class C0"). This variant has not been reported in the literature in individuals with APOB-related conditions. This variant is not present in population databases (ExAC no frequency).